The following is an entry in ClinVar:

ClinVar aggregate classification (germline): Uncertain significance (1 of 4 stars; one submission).

Conditions:
Hereditary hyperekplexia. Identifiers: Orphanet 3197, MedGen C4084968, MONDO:0021022.

Submission:

Labcorp Genetics (formerly Invitae), Labcorp
Classification: Uncertain significance for Hereditary hyperekplexia. Last evaluated: 2022-06-20. Review status: criteria provided, single submitter. Criteria: Invitae Variant Classification Sherloc (09022015). Collection method: clinical testing. Allele origin: germline.
Comment: This sequence change replaces tryptophan, which is neutral and slightly polar, with cysteine, which is neutral and slightly polar, at codon 12 of the GLRA1 protein (p.Trp12Cys). In summary, the available evidence is currently insufficient to determine the role of this variant in disease. Therefore, it has been classified as a Variant of Uncertain Significance. Advanced modeling of protein sequence and biophysical properties (such as structural, functional, and spatial information, amino acid conservation, physicochemical variation, residue mobility, and thermodynamic stability) performed at Invitae indicates that this missense variant is not expected to disrupt GLRA1 protein function. This variant has not been reported in the literature in individuals affected with GLRA1-related conditions. This variant is not present in population databases (gnomAD no frequency).

NM_000171.4(GLRA1):c.36G>C (p.Trp12Cys)

Gene: GLRA1 (glycine receptor alpha 1; minus strand). Cytogenetic location: 5q33.1.
Variant type: single nucleotide variant.
Coding change: c.36G>C on transcript NM_000171.4 (MANE Select); coding-DNA position 36, G replaced by C.
Protein change: p.Trp12Cys; replaces tryptophan 12 with cysteine.
Molecular consequence: missense variant. On other transcripts: 5 prime UTR variant (1).
Genome position (GRCh38, 1-based): chr5:151,924,514, C>G on the plus strand (G>C on the coding strand, the complement: GLRA1 is on the minus strand). VCF-style: chr5-151924514-C-G. GRCh37 (hg19) VCF-style: chr5-151304075-C-G.
Other names: c.36G>C, p.Trp12Cys (NM_001146040.2); c.-86G>C (NM_001292000.2); short protein forms W12C.
Identifiers: ClinVar variation 1370089 (VCV001370089.6), dbSNP rs1064797316, ClinGen allele CA361899973.
Genomic context (GRCh38, chr5:151,924,514, plus strand): 5'-ATTTCCATCAGAGCGATGTGGTCAGTAGAAAATTGCATACCTGAAGAATACAATGGTCTC[C>G]CAAAGGTAGAGTCGAAGAGTATTGAAGCTGTACATTTTTCAGGTCCTTGTGCTTTGTAGT-3'
Protein context (NP_000162.2, residues 2-22): YSFNTLRLYL[Trp12Cys]ETIVFFSLAA